The following is an entry in ClinVar:

NM_032043.3(BRIP1):c.93+15G>A

Gene: BRIP1 (BRCA1 interacting DNA helicase 1; minus strand). Cytogenetic location: 17q23.2.
Variant type: single nucleotide variant.
Coding change: c.93+15G>A on transcript NM_032043.3 (MANE Select); 15 bases into the intron after coding-DNA position 93, G replaced by A.
Molecular consequence: intron variant.
Genome position (GRCh38, 1-based): chr17:61,861,432, C>T on the plus strand (G>A on the coding strand, the complement: BRIP1 is on the minus strand). VCF-style: chr17-61861432-C-T. GRCh37 (hg19) VCF-style: chr17-59938793-C-T.
Identifiers: ClinVar variation 182357 (VCV000182357.18), dbSNP rs113052745, ClinGen allele CA298901.

ClinVar aggregate classification (germline): Conflicting classifications of pathogenicity. Review status: criteria provided, conflicting classifications (1 of 4 stars). 7 submissions from 7 submitters: Uncertain significance (1); Benign (2); Likely benign (3). 1 of the submissions does not count toward it. Last evaluated 2026-02-03.

Conditions:
Fanconi anemia complementation group J. Also called: BRIP1-Related Fanconi Anemia. Identifiers: Orphanet 84, MedGen C1836860, MONDO:0012187, OMIM 609054.
Ovarian cancer. Also called: OVARIAN CANCER, SOMATIC. Identifiers: Orphanet 213500, MedGen C1140680, MONDO:0008170, OMIM 167000.
Hereditary cancer-predisposing syndrome. Also called: Tumor predisposition; Neoplastic Syndromes, Hereditary; Hereditary neoplastic syndrome; Hereditary Cancer Syndrome. Identifiers: Orphanet 140162, MedGen C0027672, MeSH D009386, MONDO:0015356.
Familial cancer of breast. Also called: BREAST CANCER, FAMILIAL; hereditary breast carcinoma; Hereditary breast cancer. Identifiers: Orphanet 227535, MedGen C0346153, MONDO:0016419, OMIM 114480. Disease mechanism: loss of function.
Hereditary breast ovarian cancer syndrome. Also called: Hereditary breast and ovarian cancer syndrome; Hereditary breast and ovarian cancer syndrome (HBOC); Hereditary breast and ovarian cancer; Breast and ovarian cancer; BRCA1- and BRCA2-Associated Hereditary Breast and Ovarian Cancer; Hereditary breast and/or ovarian cancer syndrome. Identifiers: Orphanet 145, MedGen C0677776, MeSH D061325, MONDO:0003582. Disease mechanism: loss of function.

Allele frequency attached by ClinVar (database versions not stated): gnomAD exomes 0.00002; ExAC 0.00004; gnomAD 0.00009 and 0.00011; ESP Exome Variant Server 0.00015; TOPMed 0.00019.
gnomAD v4.1: 71 of 1,572,564 alleles (0.0045%); highest among the groups gnomAD compares: Middle Eastern, 0.067%; 1 homozygote.

Submissions (7):

Labcorp Genetics (formerly Invitae), Labcorp
Classification: Benign for Familial cancer of breast; Fanconi anemia complementation group J. Last evaluated: 2026-02-03. Review status: criteria provided, single submitter. Criteria: Invitae Variant Classification Sherloc (09022015). Collection method: clinical testing. Allele origin: germline.

Blueprint Genetics
Classification: Likely benign. Last evaluated: 2024-10-14. Review status: criteria provided, single submitter. Criteria: ACMG Guidelines, 2015. Collection method: clinical testing. Allele origin: germline.

National Health Laboratory Service, Universitas Academic Hospital and University of the Free State
Classification: Likely benign for Hereditary breast ovarian cancer syndrome. Last evaluated: 2022-04-19. Review status: criteria provided, single submitter. Criteria: ACMG Guidelines, 2015. Collection method: clinical testing. Allele origin: germline. Affected: yes. Observed: 14 variant alleles.

Illumina Laboratory Services, Illumina
Classification: Uncertain significance for Fanconi anemia complementation group J. Last evaluated: 2018-01-12. Review status: criteria provided, single submitter. Criteria: ICSL Variant Classification Criteria 13 December 2019. Collection method: clinical testing. Allele origin: germline.

Color Diagnostics, LLC DBA Color Health
Classification: Likely benign for Hereditary cancer-predisposing syndrome. Last evaluated: 2016-09-27. Review status: criteria provided, single submitter. Criteria: ACMG Guidelines, 2015. Collection method: clinical testing. Allele origin: germline.

GeneDx
Classification: Benign. Last evaluated: 2014-08-27. Review status: criteria provided, single submitter. Criteria: GeneDx Variant Classification (06012015). Collection method: clinical testing. Allele origin: germline. Affected: yes.
Comment: This variant is considered likely benign or benign based on one or more of the following criteria: it is a conservative change, it occurs at a poorly conserved position in the protein, it is predicted to be benign by multiple in silico algorithms, and/or has population frequency not consistent with disease.

Counsyl
Classification: Likely benign for Fanconi anemia complementation group J; Ovarian cancer. Last evaluated: 2017-07-26. Review status: no assertion criteria provided. Collection method: clinical testing. Allele origin: unknown. Not counted in ClinVar's aggregate classification.

Literature cited by the submitters: PubMed 19935797 (cited by Counsyl).